The following is an entry in ClinVar:

NM_004373.4(COX6A1):c.226C>T (p.His76Tyr)

Gene: COX6A1 (cytochrome c oxidase subunit 6A1; plus strand). Cytogenetic location: 12q24.31.
Variant type: single nucleotide variant.
Coding change: c.226C>T on transcript NM_004373.4 (MANE Select); coding-DNA position 226, C replaced by T.
Protein change: p.His76Tyr; replaces histidine 76 with tyrosine.
Molecular consequence: missense variant.
Genome position (GRCh38, 1-based): chr12:120,438,501, C>T. VCF-style: chr12-120438501-C-T. GRCh37 (hg19) VCF-style: chr12-120876304-C-T.
Other names: short protein forms H76Y.
Identifiers: ClinVar variation 1397317 (VCV001397317.3), dbSNP rs140243339, ClinGen allele CA244445914.
Genomic context (GRCh38, chr12:120,438,501, plus strand): 5'-AATGTGTACCTGAAGTCGCACCACGGAGAGCACGAGAGACCCGAGTTCATCGCCTACCCC[C>T]ATCTCCGCATCAGGACCAAGGTACGCCCTTGTACATCTCTTCAAGCGTCCGTTCTCTTTT-3'
Protein context (NP_004364.2, residues 66-86): HERPEFIAYP[His76Tyr]LRIRTKPFPW

ClinVar aggregate classification (germline): Uncertain significance (1 of 4 stars; one submission).

Allele frequency attached by ClinVar (database versions not stated): TOPMed 0.00002; gnomAD 0.00003.

Submission:

Labcorp Genetics (formerly Invitae), Labcorp
Classification: Uncertain significance. Last evaluated: 2022-08-15. Review status: criteria provided, single submitter. Criteria: Invitae Variant Classification Sherloc (09022015). Collection method: clinical testing. Allele origin: germline.
Comment: This sequence change replaces histidine, which is basic and polar, with tyrosine, which is neutral and polar, at codon 76 of the COX6A1 protein (p.His76Tyr). This variant is present in population databases (no rsID available, gnomAD 0.02%). This variant has not been reported in the literature in individuals affected with COX6A1-related conditions. ClinVar contains an entry for this variant (Variation ID: 1397317). Algorithms developed to predict the effect of missense changes on protein structure and function (SIFT, PolyPhen-2, Align-GVGD) all suggest that this variant is likely to be tolerated. In summary, the available evidence is currently insufficient to determine the role of this variant in disease. Therefore, it has been classified as a Variant of Uncertain Significance.